The following is an entry in ClinVar:

ClinVar aggregate classification (germline): Uncertain significance (1 of 4 stars; one submission).

Submission:

CeGaT Center for Human Genetics Tuebingen
Classification: Uncertain significance. Last evaluated: 2022-12-01. Review status: criteria provided, single submitter. Criteria: CeGaT Center For Human Genetics Tuebingen Variant Classification Criteria Version 2. Collection method: clinical testing. Allele origin: germline. Affected: yes. Observed: 1 variant allele.
Comment: NF1: PM2

NM_001042492.3(NF1):c.4578-31_4578-30insAGGGAAA

Gene: NF1 (neurofibromin 1; plus strand). Cytogenetic location: 17q11.2.
Variant type: Insertion.
Coding change: c.4578-31_4578-30insAGGGAAA on transcript NM_001042492.3 (MANE Select); 31 bases into the intron before coding-DNA position 4578 through 30 bases into the intron before coding-DNA position 4578, AGGGAAA inserted.
Molecular consequence: intron variant.
Genome position: GRCh38 VCF-style: chr17-31261678-T-TAAAGGGA. GRCh37 (hg19) VCF-style: chr17-29588696-T-TAAAGGGA.
Other names: c.4515-31_4515-30insAGGGAAA (NM_000267.4).
Identifiers: ClinVar variation 2647632 (VCV002647632.24), dbSNP rs2508428512, ClinGen allele CA2637082236.
Genomic context (GRCh38, chr17:31,261,678, plus strand): 5'-GTAAAAGGAAAAGCAACCAGTTACAAGTTAAAGAAATGTGTAGTGCTAAATGTGAACTGC[T>TAAAGGGA]AATTTTTTTTCTAAGTAGTTTGCTGTATCTAGGGATCATAAAGCTGTTGGAAGACGACCT-3'